The following is an entry in ClinVar:

NM_001035.3(RYR2):c.4648C>T (p.Pro1550Ser)

Gene: RYR2 (ryanodine receptor 2; plus strand). Cytogenetic location: 1q43.
Variant type: single nucleotide variant.
Coding change: c.4648C>T on transcript NM_001035.3 (MANE Select); coding-DNA position 4648, C replaced by T.
Protein change: p.Pro1550Ser; replaces proline 1550 with serine.
Molecular consequence: missense variant.
Genome position (GRCh38, 1-based): chr1:237,602,076, C>T. VCF-style: chr1-237602076-C-T. GRCh37 (hg19) VCF-style: chr1-237765376-C-T.
Other names: c.4648C>T, p.Pro1550Ser (LRG_402t1); short protein forms P1550S.
Identifiers: ClinVar variation 532354 (VCV000532354.10), dbSNP rs1553518591, ClinGen allele CA345401632.

ClinVar aggregate classification (germline): Uncertain significance (1 of 4 stars; one submission).

Conditions:
Catecholaminergic polymorphic ventricular tachycardia 1. Also called: VENTRICULAR TACHYCARDIA, CATECHOLAMINERGIC POLYMORPHIC, 1, WITH OR WITHOUT ATRIAL DYSFUNCTION AND/OR DILATED CARDIOMYOPATHY; RYR2-Related Catecholaminergic Polymorphic Ventricular Tachycardia; VENTRICULAR TACHYCARDIA, STRESS-INDUCED POLYMORPHIC 1. Identifiers: Orphanet 3286, MedGen C1631597, MONDO:0011484, OMIM 604772.

Allele frequency attached by ClinVar (database versions not stated): gnomAD below 0.00001 and 0.00001.
gnomAD v4.1: 1 of 1,612,738 alleles (0.000062%); highest among the groups gnomAD compares: South Asian, 0.0011%; no homozygotes.

Submission:

Labcorp Genetics (formerly Invitae), Labcorp
Classification: Uncertain significance for Catecholaminergic polymorphic ventricular tachycardia 1. Last evaluated: 2025-01-28. Review status: criteria provided, single submitter. Criteria: Invitae Variant Classification Sherloc (09022015). Collection method: clinical testing. Allele origin: germline.
Comment: This sequence change replaces proline, which is neutral and non-polar, with serine, which is neutral and polar, at codon 1550 of the RYR2 protein (p.Pro1550Ser). This variant is not present in population databases (gnomAD no frequency). This variant has not been reported in the literature in individuals affected with RYR2-related conditions. ClinVar contains an entry for this variant (Variation ID: 532354). Invitae Evidence Modeling of protein sequence and biophysical properties (such as structural, functional, and spatial information, amino acid conservation, physicochemical variation, residue mobility, and thermodynamic stability) indicates that this missense variant is not expected to disrupt RYR2 protein function with a negative predictive value of 95%. In summary, the available evidence is currently insufficient to determine the role of this variant in disease. Therefore, it has been classified as a Variant of Uncertain Significance.